The following is an entry in ClinVar:

ClinVar aggregate classification (germline): Uncertain significance (1 of 4 stars; one submission).

Submission:

Labcorp Genetics (formerly Invitae), Labcorp
Classification: Uncertain significance. Last evaluated: 2021-11-26. Review status: criteria provided, single submitter. Criteria: Invitae Variant Classification Sherloc (09022015). Collection method: clinical testing. Allele origin: germline.
Comment: In summary, the available evidence is currently insufficient to determine the role of this variant in disease. Therefore, it has been classified as a Variant of Uncertain Significance. Advanced modeling of protein sequence and biophysical properties (such as structural, functional, and spatial information, amino acid conservation, physicochemical variation, residue mobility, and thermodynamic stability) performed at Invitae indicates that this missense variant is not expected to disrupt ABCC6 protein function. This variant has not been reported in the literature in individuals affected with ABCC6-related conditions. This variant is not present in population databases (gnomAD no frequency). This sequence change replaces isoleucine, which is neutral and non-polar, with phenylalanine, which is neutral and non-polar, at codon 816 of the ABCC6 protein (p.Ile816Phe).

NM_001171.6(ABCC6):c.2446A>T (p.Ile816Phe)

Gene: ABCC6 (ATP binding cassette subfamily C member 6; minus strand). Cytogenetic location: 16p13.11.
Variant type: single nucleotide variant.
Coding change: c.2446A>T on transcript NM_001171.6 (MANE Select); coding-DNA position 2446, A replaced by T.
Protein change: p.Ile816Phe; replaces isoleucine 816 with phenylalanine.
Molecular consequence: missense variant.
Genome position (GRCh38, 1-based): chr16:16,177,596, T>A on the plus strand (A>T on the coding strand, the complement: ABCC6 is on the minus strand). VCF-style: chr16-16177596-T-A. GRCh37 (hg19) VCF-style: chr16-16271453-T-A.
Other names: c.2104A>T, p.Ile702Phe (NM_001351800.1); short protein forms I702F, I816F.
Identifiers: ClinVar variation 1427654 (VCV001427654.6), dbSNP rs2152250183, ClinGen allele CA394887803.